The following is an entry in ClinVar:

NM_006421.5(ARFGEF1):c.136G>A (p.Ala46Thr)

Gene: ARFGEF1 (ARF guanine nucleotide exchange factor 1; minus strand). Cytogenetic location: 8q13.2.
Variant type: single nucleotide variant.
Coding change: c.136G>A on transcript NM_006421.5 (MANE Select); coding-DNA position 136, G replaced by A.
Protein change: p.Ala46Thr; replaces alanine 46 with threonine.
Molecular consequence: missense variant. On other transcripts: 5 prime UTR variant (3), non-coding transcript variant (1), intron variant (1).
Genome position (GRCh38, 1-based): chr8:67,302,455, C>T on the plus strand (G>A on the coding strand, the complement: ARFGEF1 is on the minus strand). VCF-style: chr8-67302455-C-T. GRCh37 (hg19) VCF-style: chr8-68214690-C-T.
Other names: c.136G>A, p.Ala46Thr (NM_001413184.1, NM_001413185.1, NM_001413186.1 and 7 more transcripts); c.-465G>A (NM_001413188.1, NM_001413193.1); c.-980G>A (NM_001413196.1); c.-445-1075G>A (NM_001413197.1); short protein forms A46T.
Identifiers: ClinVar variation 3252234 (VCV003252234.1), dbSNP rs2491950123.

ClinVar aggregate classification (germline): Uncertain significance (1 of 4 stars; one submission).

Submission:

GeneDx
Classification: Uncertain significance. Last evaluated: 2023-10-08. Review status: criteria provided, single submitter. Criteria: GeneDx Variant Classification Process June 2021. Collection method: clinical testing. Allele origin: germline. Affected: yes.
Comment: Not observed at significant frequency in large population cohorts (gnomAD); In silico analysis supports that this missense variant does not alter protein structure/function; Has not been previously published as pathogenic or benign to our knowledge